The following is an entry in ClinVar:

ClinVar aggregate classification (germline): Uncertain significance. Review status: criteria provided, multiple submitters, no conflicts (2 of 4 stars). 5 submissions from 5 submitters: Uncertain significance (5). Last evaluated 2025-03-12.

Conditions:
Autoinflammatory syndrome. Identifiers: Orphanet 93665, MedGen C3890737, MONDO:0019751.
Lymphoproliferative syndrome 2 (LPFS2). Also called: Combined immunodeficiency due to CD27 deficiency; CD27 DEFICIENCY. Identifiers: Orphanet 238505, MedGen C3554540, MONDO:0014054, OMIM 615122.

Allele frequency attached by ClinVar (database versions not stated): TOPMed 0.00001.
gnomAD v4.1: 115 of 1,607,394 alleles (0.0072%); highest among the groups gnomAD compares: South Asian, 0.11%; 2 homozygotes.

Submissions (5):

Labcorp Genetics (formerly Invitae), Labcorp
Classification: Uncertain significance for Lymphoproliferative syndrome 2. Last evaluated: 2025-03-12. Review status: criteria provided, single submitter. Criteria: Invitae Variant Classification Sherloc (09022015). Collection method: clinical testing. Allele origin: germline.
Comment: This sequence change replaces glycine, which is neutral and non-polar, with arginine, which is basic and polar, at codon 13 of the CD27 protein (p.Gly13Arg). This variant is present in population databases (rs146726863, gnomAD 0.1%), including at least one homozygous and/or hemizygous individual. This variant has not been reported in the literature in individuals affected with CD27-related conditions. ClinVar contains an entry for this variant (Variation ID: 857202). An algorithm developed to predict the effect of missense changes on protein structure and function (PolyPhen-2) suggests that this variant is likely to be disruptive. In summary, the available evidence is currently insufficient to determine the role of this variant in disease. Therefore, it has been classified as a Variant of Uncertain Significance.

Blueprint Genetics
Classification: Uncertain significance. Last evaluated: 2024-10-04. Review status: criteria provided, single submitter. Criteria: ACMG Guidelines, 2015. Collection method: clinical testing. Allele origin: germline.

Genetic Services Laboratory, University of Chicago
Classification: Uncertain significance. Last evaluated: 2021-11-19. Review status: criteria provided, single submitter. Criteria: ACMG Guidelines, 2015. Collection method: clinical testing. Allele origin: germline. Affected: no.
Comment: DNA sequence analysis of the CD27 gene demonstrated a sequence change, c.37G>A, in exon 1 that results in an amino acid change, p.Gly13Arg. This sequence change does not appear to have been previously described in individuals with CD27-related disorders. This sequence change has been described in the gnomAD database with a frequency of 0.13% in the South Asian subpopulation (dbSNP rs146726863). The p.Gly13Arg change affects a highly conserved amino acid residue located in a domain of the CD27 protein that is known to be functional. The p.Gly13Arg substitution appears to be deleterious using several in-silico pathogenicity prediction tools (SIFT, PolyPhen2, Align GVGD, REVEL). Due to insufficient evidence and the lack of functional studies, the clinical significance of the p.Gly13Arg change remains unknown at this time.

Genome Diagnostics Laboratory, The Hospital for Sick Children
Classification: Uncertain significance for Autoinflammatory syndrome. Last evaluated: 2018-11-01. Review status: criteria provided, single submitter. Criteria: ACMG Guidelines, 2015. Collection method: clinical testing. Allele origin: germline. Affected: yes.

Breakthrough Genomics
Classification: Uncertain significance. Review status: criteria provided, single submitter. Criteria: ACMG Guidelines, 2015. Collection method: not provided. Allele origin: germline. Inheritance: Autosomal recessive inheritance. Affected: yes.

NM_001242.5(CD27):c.37G>A (p.Gly13Arg)

Genes: CD27 (CD27 molecule; plus strand), CD27-AS1 (CD27 antisense RNA 1; minus strand). Cytogenetic location: 12p13.31.
Variant type: single nucleotide variant.
Coding change: c.37G>A on transcript NM_001242.5 (MANE Select); coding-DNA position 37, G replaced by A.
Protein change: p.Gly13Arg; replaces glycine 13 with arginine.
Molecular consequence: missense variant.
Genome position (GRCh38, 1-based): chr12:6,445,132, G>A. VCF-style: chr12-6445132-G-A. GRCh37 (hg19) VCF-style: chr12-6554298-G-A.
Other names: short protein forms G13R.
Identifiers: ClinVar variation 857202 (VCV000857202.17), dbSNP rs146726863, ClinGen allele CA6406857.